The following is an entry in ClinVar:

NM_016203.4(PRKAG2):c.691C>G (p.Leu231Val)

Genes: PRKAG2 (protein kinase AMP-activated non-catalytic subunit gamma 2; minus strand), LOC129999660 (ATAC-STARR-seq lymphoblastoid silent region 18823; plus strand). Cytogenetic location: 7q36.1.
Variant type: single nucleotide variant.
Coding change: c.691C>G on transcript NM_016203.4 (MANE Select); coding-DNA position 691, C replaced by G.
Protein change: p.Leu231Val; replaces leucine 231 with valine.
Molecular consequence: missense variant. On other transcripts: 5 prime UTR variant (2).
Genome position (GRCh38, 1-based): chr7:151,632,132, G>C on the plus strand (C>G on the coding strand, the complement: PRKAG2 is on the minus strand). VCF-style: chr7-151632132-G-C. GRCh37 (hg19) VCF-style: chr7-151329218-G-C.
Other names: c.559C>G, p.Leu187Val (NM_001040633.2); c.319C>G, p.Leu107Val (NM_001304527.2, NM_001363698.2); c.-33C>G (NM_001304531.2, NM_024429.2); short protein forms L107V, L187V, L231V.
Identifiers: ClinVar variation 941410 (VCV000941410.13), dbSNP rs745772277, ClinGen allele CA058090.

ClinVar aggregate classification (germline): Uncertain significance. Review status: criteria provided, multiple submitters, no conflicts (2 of 4 stars). 2 submissions from 2 submitters: Uncertain significance (2). Last evaluated 2025-08-18.

Conditions:
Lethal congenital glycogen storage disease of heart. Also called: GLYCOGEN STORAGE DISEASE OF HEART; PHOSPHORYLASE KINASE DEFICIENCY OF HEART. Identifiers: Orphanet 439854, MedGen C1849813, MONDO:0009867, OMIM 261740.
Cardiovascular phenotype. Identifiers: MedGen CN230736.

Allele frequency attached by ClinVar (database versions not stated): ExAC 0.00001; gnomAD exomes 0.00001.
gnomAD v4.1: 77 of 1,405,194 alleles (0.0055%); highest among the groups gnomAD compares: Non-Finnish European, 0.0072%; no homozygotes.

Submissions (2):

Labcorp Genetics (formerly Invitae), Labcorp
Classification: Uncertain significance for Lethal congenital glycogen storage disease of heart. Last evaluated: 2025-08-18. Review status: criteria provided, single submitter. Criteria: Invitae Variant Classification Sherloc (09022015). Collection method: clinical testing. Allele origin: germline.
Comment: This sequence change replaces leucine, which is neutral and non-polar, with valine, which is neutral and non-polar, at codon 231 of the PRKAG2 protein (p.Leu231Val). This variant is present in population databases (rs745772277, gnomAD 0.001%). This variant has not been reported in the literature in individuals affected with PRKAG2-related conditions. ClinVar contains an entry for this variant (Variation ID: 941410). Invitae Evidence Modeling of protein sequence and biophysical properties (such as structural, functional, and spatial information, amino acid conservation, physicochemical variation, residue mobility, and thermodynamic stability) indicates that this missense variant is not expected to disrupt PRKAG2 protein function with a negative predictive value of 95%. In summary, the available evidence is currently insufficient to determine the role of this variant in disease. Therefore, it has been classified as a Variant of Uncertain Significance.

Ambry Genetics
Classification: Uncertain significance for Cardiovascular phenotype. Last evaluated: 2025-06-02. Review status: criteria provided, single submitter. Criteria: Ambry Variant Classification Scheme 2023. Collection method: clinical testing. Allele origin: germline.
Comment: The p.L231V variant (also known as c.691C>G), located in coding exon 5 of the PRKAG2 gene, results from a C to G substitution at nucleotide position 691. The leucine at codon 231 is replaced by valine, an amino acid with highly similar properties. This amino acid position is conserved. In addition, this alteration is predicted to be tolerated by in silico analysis. Since supporting evidence is limited at this time, the clinical significance of this alteration remains unclear.